The following is an entry in ClinVar:

NC_000007.14:g.140798273_140798276T[4]CTTTTTTTTTTT[1]

Gene: BRAF (B-Raf proto-oncogene, serine/threonine kinase; minus strand). Cytogenetic location: 7q34.
Variant type: Microsatellite.
Genome position: GRCh38 VCF-style: chr7-140798272-C-CTTTTCTTTTTTT. GRCh37 (hg19) VCF-style: chr7-140498072-C-CTTTTCTTTTTTT.
Identifiers: ClinVar variation 2658084 (VCV002658084.24), dbSNP rs758569858.

ClinVar aggregate classification (germline): Benign (1 of 4 stars; one submission).

Submission:

CeGaT Center for Human Genetics Tuebingen
Classification: Benign. Last evaluated: 2025-04-01. Review status: criteria provided, single submitter. Criteria: CeGaT Center For Human Genetics Tuebingen Variant Classification Criteria Version 2. Collection method: clinical testing. Allele origin: germline. Affected: yes. Observed: 2 variant alleles.
Comment: BRAF: BS1, BS2